The following is an entry in ClinVar:

NM_000138.5(FBN1):c.2384del (p.Gly795fs)

Gene: FBN1 (fibrillin 1; minus strand). Cytogenetic location: 15q21.1.
Variant type: Deletion.
Coding change: c.2384del on transcript NM_000138.5 (MANE Select); coding-DNA position 2384, one base deleted (G; older notation c.2384delG).
Protein change: p.Gly795fs; shifts the reading frame from glycine 795.
Molecular consequence: frameshift variant.
Genome position (GRCh38, 1-based): chr15:48,496,135, C deleted on the plus strand (G on the coding strand, the reverse complement: FBN1 is on the minus strand); the first of 3 consecutive C bases (chr15:48,496,135-48,496,137); deleting any one gives the same sequence. VCF-style (leftmost placement, unchanged base first): chr15-48496134-TC-T. GRCh37 (hg19) VCF-style: chr15-48788331-TC-T.
Other names: c.2384delG (NM_000138.4); short protein forms G795fs.
Identifiers: ClinVar variation 575476 (VCV000575476.6), dbSNP rs1566911908, ClinGen allele CA891844027.

ClinVar aggregate classification (germline): Pathogenic (1 of 4 stars; one submission).

Conditions:
Familial thoracic aortic aneurysm and aortic dissection (TAAD). Also called: Thoracic aortic aneurysms and dissections. Identifiers: Orphanet 91387, MedGen C4707243, MONDO:0019625.
Marfan syndrome (MFS). Also called: FBN1-Related Marfan Syndrome; Marfan syndrome type 1; Marfan's syndrome; Marfan syndrome, classic; MARFAN SYNDROME, TYPE I. Identifiers: Orphanet 284963, Orphanet 558, MedGen C0024796, MONDO:0007947, OMIM 154700.

Submission:

Labcorp Genetics (formerly Invitae), Labcorp
Classification: Pathogenic for Marfan syndrome; Familial thoracic aortic aneurysm and aortic dissection. Last evaluated: 2018-04-03. Review status: criteria provided, single submitter. Criteria: Invitae Variant Classification Sherloc (09022015). Collection method: clinical testing. Allele origin: germline.
Comment: For these reasons, this variant has been classified as Pathogenic. Loss-of-function variants in FBN1 are known to be pathogenic (PMID: 17657824, 19293843). This variant has not been reported in the literature in individuals with FBN1-related disease. This variant is not present in population databases (ExAC no frequency). This sequence change creates a premature translational stop signal (p.Gly795Aspfs*8) in the FBN1 gene. It is expected to result in an absent or disrupted protein product.

Literature cited by the submitters: PubMed 17657824; PubMed 19293843.